The following is an entry in ClinVar:

ClinVar aggregate classification (germline): Uncertain significance (1 of 4 stars; one submission).

Conditions:
Hereditary nonpolyposis colorectal neoplasms. Identifiers: MedGen C0009405, MeSH D003123.

Submission:

Labcorp Genetics (formerly Invitae), Labcorp
Classification: Uncertain significance for Hereditary nonpolyposis colorectal neoplasms. Last evaluated: 2024-02-06. Review status: criteria provided, single submitter. Criteria: Invitae Variant Classification Sherloc (09022015). Collection method: clinical testing. Allele origin: germline.
Comment: This sequence change replaces threonine, which is neutral and polar, with serine, which is neutral and polar, at codon 820 of the PMS2 protein (p.Thr820Ser). The frequency data for this variant in the population databases (gnomAD) is considered unreliable due to the presence of homologous sequence, such as pseudogenes or paralogs, in the genome. This variant has not been reported in the literature in individuals affected with PMS2-related conditions. Advanced modeling of protein sequence and biophysical properties (such as structural, functional, and spatial information, amino acid conservation, physicochemical variation, residue mobility, and thermodynamic stability) performed at Invitae indicates that this missense variant is expected to disrupt PMS2 protein function with a positive predictive value of 80%. In summary, the available evidence is currently insufficient to determine the role of this variant in disease. Therefore, it has been classified as a Variant of Uncertain Significance.

NM_000535.7(PMS2):c.2459C>G (p.Thr820Ser)

Gene: PMS2 (PMS1 homolog 2, mismatch repair system component; minus strand). Cytogenetic location: 7p22.1.
Variant type: single nucleotide variant.
Coding change: c.2459C>G on transcript NM_000535.7 (MANE Select); coding-DNA position 2459, C replaced by G.
Protein change: p.Thr820Ser; replaces threonine 820 with serine.
Molecular consequence: missense variant. On other transcripts: non-coding transcript variant (1).
Genome position (GRCh38, 1-based): chr7:5,973,529, G>C on the plus strand (C>G on the coding strand, the complement: PMS2 is on the minus strand). VCF-style: chr7-5973529-G-C. GRCh37 (hg19) VCF-style: chr7-6013160-G-C.
Other names: c.2150C>G, p.Thr717Ser (NM_001406877.1, NM_001406878.1, NM_001406879.1 and 4 more transcripts); c.2141C>G, p.Thr714Ser (NM_001406883.1, NM_001322007.2, NM_001322008.2); c.2135C>G, p.Thr712Ser (NM_001406884.1); c.2123C>G, p.Thr708Ser (NM_001406885.1); c.2093C>G, p.Thr698Ser (NM_001406886.1); c.1946C>G, p.Thr649Ser (NM_001406905.1, NM_001406904.1); c.1898C>G, p.Thr633Ser (NM_001406906.1, NM_001406907.1, NM_001322010.2); c.1886C>G, p.Thr629Ser (NM_001406908.1, NM_001406909.1, NM_001322013.2); and 20 more; short protein forms T419S, T563S, T633S, T717S, T754S, T768S, T784S, T820S.
Identifiers: ClinVar variation 3632572 (VCV003632572.2).